The following is an entry in ClinVar:

ClinVar aggregate classification (germline): Uncertain significance (1 of 4 stars; one submission).

Conditions:
Dyskeratosis congenita. Identifiers: Orphanet 1775, MedGen C0265965, MONDO:0015780.

Submission:

Labcorp Genetics (formerly Invitae), Labcorp
Classification: Uncertain significance for Dyskeratosis congenita. Last evaluated: 2026-01-21. Review status: criteria provided, single submitter. Criteria: Invitae Variant Classification Sherloc (09022015). Collection method: clinical testing. Allele origin: germline.
Comment: This sequence change replaces histidine, which is basic and polar, with glutamine, which is neutral and polar, at codon 638 of the CTC1 protein (p.His638Gln). This variant is not present in population databases (gnomAD no frequency). This variant has not been reported in the literature in individuals affected with CTC1-related conditions. ClinVar contains an entry for this variant (Variation ID: 3615868). An algorithm developed to predict the effect of missense changes on protein structure and function (PolyPhen-2) suggests that this variant is likely to be tolerated. In summary, the available evidence is currently insufficient to determine the role of this variant in disease. Therefore, it has been classified as a Variant of Uncertain Significance.

NM_025099.6(CTC1):c.1914C>G (p.His638Gln)

Gene: CTC1 (CST telomere replication complex component 1; minus strand). Cytogenetic location: 17p13.1.
Variant type: single nucleotide variant.
Coding change: c.1914C>G on transcript NM_025099.6 (MANE Select); coding-DNA position 1914, C replaced by G.
Protein change: p.His638Gln; replaces histidine 638 with glutamine.
Molecular consequence: missense variant. On other transcripts: non-coding transcript variant (1).
Genome position (GRCh38, 1-based): chr17:8,232,937, G>C on the plus strand (C>G on the coding strand, the complement: CTC1 is on the minus strand). VCF-style: chr17-8232937-G-C. GRCh37 (hg19) VCF-style: chr17-8136255-G-C.
Other names: c.1914C>G, p.His638Gln (NM_001411067.1); short protein forms H638Q.
Identifiers: ClinVar variation 3615868 (VCV003615868.2).